The following is an entry in ClinVar:

NM_001854.4(COL11A1):c.1679C>T (p.Pro560Leu)

Gene: COL11A1 (collagen type XI alpha 1 chain; minus strand). Cytogenetic location: 1p21.1.
Variant type: single nucleotide variant.
Coding change: c.1679C>T on transcript NM_001854.4 (MANE Select); coding-DNA position 1679, C replaced by T.
Protein change: p.Pro560Leu; replaces proline 560 with leucine.
Molecular consequence: missense variant. On other transcripts: non-coding transcript variant (1).
Genome position (GRCh38, 1-based): chr1:103,008,467, G>A on the plus strand (C>T on the coding strand, the complement: COL11A1 is on the minus strand). VCF-style: chr1-103008467-G-A. GRCh37 (hg19) VCF-style: chr1-103474023-G-A.
Other names: c.1562C>T, p.Pro521Leu (NM_001190709.2); c.1715C>T, p.Pro572Leu (NM_080629.3); c.1331C>T, p.Pro444Leu (NM_080630.4); short protein forms P444L, P521L, P560L, P572L.
Identifiers: ClinVar variation 3629920 (VCV003629920.1).

ClinVar aggregate classification (germline): Uncertain significance (1 of 4 stars; one submission).

gnomAD v4.1: 2 of 1,613,600 alleles (0.00012%); highest among the groups gnomAD compares: East Asian, 0.0022%; no homozygotes.

Submission:

Women's Health and Genetics/Laboratory Corporation of America, LabCorp
Classification: Uncertain significance. Last evaluated: 2024-11-22. Review status: criteria provided, single submitter. Criteria: LabCorp Variant Classification Summary - May 2015. Collection method: clinical testing. Allele origin: germline.
Comment: Variant summary: COL11A1 c.1679C>T (p.Pro560Leu) results in a non-conservative amino acid change located in the Collagen triple-helical region (IPR008160) of the encoded protein sequence. Five of five in-silico tools predict a damaging effect of the variant on protein function. The variant allele was found at a frequency of 4e-06 in 250792 control chromosomes (gnomAD v2.1). The available data on variant occurrences in the general population are insufficient to allow any conclusion about variant significance. To our knowledge, no occurrence of c.1679C>T in individuals affected with Stickler Syndrome and no experimental evidence demonstrating its impact on protein function have been reported. No submitters have cited clinical-significance assessments for this variant to ClinVar. Based on the evidence outlined above, the variant was classified as uncertain significance.